The following is an entry in ClinVar:

ClinVar aggregate classification (germline): Uncertain significance. Review status: criteria provided, multiple submitters, no conflicts (2 of 4 stars). 5 submissions from 5 submitters: Uncertain significance (4). 1 of the submissions does not count toward it. Last evaluated 2023-12-06.

Conditions:
Zellweger spectrum disorders (ZS). Also called: Zellweger Spectrum Disorder; Zellweger Spectrum; Zellweger Spectrum Disorder (ZSD); Zellweger syndrome. Identifiers: Orphanet 912, MedGen C0043459, MONDO:0019609.
Inborn genetic diseases. Identifiers: MedGen C0950123, MeSH D030342.

Allele frequency attached by ClinVar (database versions not stated): gnomAD exomes below 0.00001 and 0.00002; ExAC 0.00002; TOPMed 0.00006; ESP Exome Variant Server 0.00008; gnomAD 0.00008 and 0.00009.
gnomAD v4.1: 14 of 1,612,962 alleles (0.00087%); highest among the groups gnomAD compares: African/African-American, 0.017%; no homozygotes.

Submissions (5):

Labcorp Genetics (formerly Invitae), Labcorp
Classification: Uncertain significance for Zellweger spectrum disorders. Last evaluated: 2023-12-06. Review status: criteria provided, single submitter. Criteria: Invitae Variant Classification Sherloc (09022015). Collection method: clinical testing. Allele origin: germline.
Comment: This sequence change replaces glycine, which is neutral and non-polar, with arginine, which is basic and polar, at codon 1044 of the PEX1 protein (p.Gly1044Arg). This variant is present in population databases (rs371136331, gnomAD 0.03%). This variant has not been reported in the literature in individuals affected with PEX1-related conditions. ClinVar contains an entry for this variant (Variation ID: 594375). Advanced modeling of protein sequence and biophysical properties (such as structural, functional, and spatial information, amino acid conservation, physicochemical variation, residue mobility, and thermodynamic stability) performed at Invitae indicates that this missense variant is expected to disrupt PEX1 protein function with a positive predictive value of 80%. In summary, the available evidence is currently insufficient to determine the role of this variant in disease. Therefore, it has been classified as a Variant of Uncertain Significance.

Women's Health and Genetics/Laboratory Corporation of America, LabCorp
Classification: Uncertain significance. Last evaluated: 2022-07-28. Review status: criteria provided, single submitter. Criteria: LabCorp Variant Classification Summary - May 2015. Collection method: clinical testing. Allele origin: germline.

Ambry Genetics
Classification: Uncertain significance for Inborn genetic diseases. Last evaluated: 2021-06-09. Review status: criteria provided, single submitter. Criteria: Ambry Variant Classification Scheme 2023. Collection method: clinical testing. Allele origin: germline.

Eurofins Ntd Llc (ga)
Classification: Uncertain significance. Last evaluated: 2017-10-04. Review status: criteria provided, single submitter. Criteria: EGL Classification Definitions 2015. Collection method: clinical testing. Allele origin: germline. Observed: 1 variant allele, 1 heterozygote.

Natera, Inc.
Classification: Uncertain significance for Zellweger syndrome. Last evaluated: 2018-08-07. Review status: no assertion criteria provided. Collection method: clinical testing. Allele origin: germline. Not counted in ClinVar's aggregate classification.

NM_000466.3(PEX1):c.3130G>A (p.Gly1044Arg)

Genes: GATAD1 (GATA zinc finger domain containing 1; plus strand), PEX1 (peroxisomal biogenesis factor 1; minus strand). Cytogenetic location: 7q21.2.
Variant type: single nucleotide variant.
Coding change: c.3130G>A on transcript NM_000466.3 (MANE Select); coding-DNA position 3130, G replaced by A.
Protein change: p.Gly1044Arg; replaces glycine 1044 with arginine.
Molecular consequence: missense variant.
Genome position (GRCh38, 1-based): chr7:92,493,030, C>T on the plus strand (G>A on the coding strand, the complement: PEX1 is on the minus strand). VCF-style: chr7-92493030-C-T. GRCh37 (hg19) VCF-style: chr7-92122344-C-T.
Other names: c.2959G>A, p.Gly987Arg (NM_001282677.2); c.2506G>A, p.Gly836Arg (NM_001282678.2); short protein forms G1044R, G836R, G987R.
Identifiers: ClinVar variation 594375 (VCV000594375.19), dbSNP rs371136331, ClinGen allele CA4340899.